The following is an entry in ClinVar:

NM_032444.4(SLX4):c.757A>G (p.Asn253Asp)

Gene: SLX4 (SLX4 structure-specific endonuclease subunit; minus strand). Cytogenetic location: 16p13.3.
Variant type: single nucleotide variant.
Coding change: c.757A>G on transcript NM_032444.4 (MANE Select); coding-DNA position 757, A replaced by G.
Protein change: p.Asn253Asp; replaces asparagine 253 with aspartic acid.
Molecular consequence: missense variant.
Genome position (GRCh38, 1-based): chr16:3,606,477, T>C on the plus strand (A>G on the coding strand, the complement: SLX4 is on the minus strand). VCF-style: chr16-3606477-T-C. GRCh37 (hg19) VCF-style: chr16-3656478-T-C.
Other names: short protein forms N253D.
Identifiers: ClinVar variation 4739038 (VCV004739038.1).

ClinVar aggregate classification (germline): Uncertain significance (1 of 4 stars; one submission).

Conditions:
Fanconi anemia (FA). Also called: Fanconi's anemia. Identifiers: Orphanet 84, MedGen C0015625, MeSH D005199, MONDO:0019391.

Submission:

Labcorp Genetics (formerly Invitae), Labcorp
Classification: Uncertain significance for Fanconi anemia. Last evaluated: 2025-09-28. Review status: criteria provided, single submitter. Criteria: Invitae Variant Classification Sherloc (09022015). Collection method: clinical testing. Allele origin: germline.
Comment: This sequence change replaces asparagine, which is neutral and polar, with aspartic acid, which is acidic and polar, at codon 253 of the SLX4 protein (p.Asn253Asp). This variant is not present in population databases (gnomAD no frequency). This variant has not been reported in the literature in individuals affected with SLX4-related conditions. An algorithm developed to predict the effect of missense changes on protein structure and function (PolyPhen-2) suggests that this variant is likely to be tolerated. In summary, the available evidence is currently insufficient to determine the role of this variant in disease. Therefore, it has been classified as a Variant of Uncertain Significance.